The following is an entry in ClinVar:

ClinVar aggregate classification (germline): Uncertain significance (1 of 4 stars; one submission).

Submission:

Ambry Genetics
Classification: Uncertain significance. Last evaluated: 2022-09-12. Review status: criteria provided, single submitter. Criteria: Ambry Variant Classification Scheme 2023. Collection method: clinical testing. Allele origin: germline.
Comment: The p.Q2070H variant (also known as c.6210A>C), located in coding exon 19 of the POLQ gene, results from an A to C substitution at nucleotide position 6210. The glutamine at codon 2070 is replaced by histidine, an amino acid with highly similar properties. This amino acid position is conserved. In addition, this alteration is predicted to be tolerated by in silico analysis. Since supporting evidence is limited at this time, the clinical significance of this alteration remains unclear.

NM_199420.4(POLQ):c.6210A>C (p.Gln2070His)

Gene: POLQ (DNA polymerase theta; minus strand). Cytogenetic location: 3q13.33.
Variant type: single nucleotide variant.
Coding change: c.6210A>C on transcript NM_199420.4 (MANE Select); coding-DNA position 6210, A replaced by C.
Protein change: p.Gln2070His; replaces glutamine 2070 with histidine.
Molecular consequence: missense variant.
Genome position (GRCh38, 1-based): chr3:121,481,573, T>G on the plus strand (A>C on the coding strand, the complement: POLQ is on the minus strand). VCF-style: chr3-121481573-T-G. GRCh37 (hg19) VCF-style: chr3-121200420-T-G.
Other names: short protein forms Q2070H.
Identifiers: ClinVar variation 1752218 (VCV001752218.2), dbSNP rs2546780240, ClinGen allele CA354087586.